The following is an entry in ClinVar:

NM_001165963.4(SCN1A):c.3924A>T (p.Glu1308Asp)

Genes: SCN1A (sodium voltage-gated channel alpha subunit 1; minus strand), LOC102724058 (uncharacterized LOC102724058; plus strand). Cytogenetic location: 2q24.3.
Variant type: single nucleotide variant.
Coding change: c.3924A>T on transcript NM_001165963.4 (MANE Select); coding-DNA position 3924, A replaced by T.
Protein change: p.Glu1308Asp; replaces glutamic acid 1308 with aspartic acid.
Molecular consequence: missense variant. On other transcripts: non-coding transcript variant (1).
Genome position (GRCh38, 1-based): chr2:166,009,797, T>A on the plus strand (A>T on the coding strand, the complement: SCN1A is on the minus strand). VCF-style: chr2-166009797-T-A. GRCh37 (hg19) VCF-style: chr2-166866307-T-A.
Other names: p.E1308D:GAA>GAT; c.3840A>T, p.Glu1280Asp (NM_001165964.3, NM_001353957.2, NM_001353958.2); c.3924A>T, p.Glu1308Asp (NM_001202435.3, NM_001353948.2); c.3891A>T, p.Glu1297Asp (NM_001353949.2, NM_001353950.2, NM_001353951.2 and 2 more transcripts); c.3888A>T, p.Glu1296Asp (NM_001353954.2, NM_001353955.2); c.3837A>T, p.Glu1279Asp (NM_001353960.2); c.1482A>T, p.Glu494Asp (NM_001353961.2); c.3924A>T (NM_001202435.1, NM_001165963.3); short protein forms E1297D, E1308D, E1280D, E1279D, E1296D, E494D.
Identifiers: ClinVar variation 68534 (VCV000068534.76), dbSNP rs121917910, ClinGen allele CA231476.

ClinVar aggregate classification (germline): Conflicting classifications of pathogenicity. Review status: criteria provided, conflicting classifications (1 of 4 stars). 17 submissions from 16 submitters: Uncertain significance (3); Benign (4); Likely benign (5). 5 of the submissions do not count toward it. Last evaluated 2026-03-01.

Conditions:
SCN1A-related disorder. Also called: SCN1A-related conditions; SCN1A-related condition; SCN1A-related disorders.
Inborn genetic diseases. Identifiers: MedGen C0950123, MeSH D030342.
Early-infantile DEE. Also called: Early infantile epileptic encephalopathy with suppression bursts; Ohtahara syndrome; Early infantile epileptic encephalopathy. Identifiers: Orphanet 1934, MedGen C0393706, MONDO:0800491.
Generalized epilepsy with febrile seizures plus, type 2 (GEFSP2). Also called: GEFS+, TYPE 2. Identifiers: Orphanet 36387, MedGen C1858673, MONDO:0011461, OMIM 604403.
Migraine, familial hemiplegic, 3. Identifiers: Orphanet 569, MedGen C1864987, MONDO:0012320, OMIM 609634.
Severe myoclonic epilepsy in infancy (DRVT). Also called: DEVELOPMENTAL AND EPILEPTIC ENCEPHALOPATHY 6A; Severe Myoclonic Epilepsy in Infancy (SMEI); Dravet syndrome; SEVERE MYOCLONIC EPILEPSY OF INFANCY; Epileptic encephalopathy, early infantile, 6 (Dravet syndrome). Identifiers: Orphanet 33069, MedGen C0751122, MONDO:0100135, OMIM 607208.

Allele frequency attached by ClinVar (database versions not stated): gnomAD exomes 0.00061 and 0.00088; gnomAD 0.00065 and 0.00070; 1000 Genomes Project 0.00020; 1000 Genomes Project 30x 0.00031; ESP Exome Variant Server 0.00062; TOPMed 0.00054; ExAC 0.00075.
gnomAD v4.1: 1,369 of 1,607,484 alleles (0.085%); highest among the groups gnomAD compares: Non-Finnish European, 0.11%; no homozygotes.

Submissions (27):

CeGaT Center for Human Genetics Tuebingen
Classification: Benign. Last evaluated: 2026-03-01. Review status: criteria provided, single submitter. Criteria: CeGaT Center For Human Genetics Tuebingen Variant Classification Criteria Version 2. Collection method: clinical testing. Allele origin: germline. Affected: yes. Observed: 10 variant alleles.
Comment: SCN1A: PP3, BS1, BS2

Labcorp Genetics (formerly Invitae), Labcorp
Classification: Likely benign for Early-infantile DEE. Last evaluated: 2026-01-22. Review status: criteria provided, single submitter. Criteria: Invitae Variant Classification Sherloc (09022015). Collection method: clinical testing. Allele origin: germline.

Blueprint Genetics
Classification: Likely benign. Last evaluated: 2024-11-06. Review status: criteria provided, single submitter. Criteria: ACMG Guidelines, 2015. Collection method: clinical testing. Allele origin: germline.

Mayo Clinic Laboratories, Mayo Clinic
Classification: Benign. Last evaluated: 2024-05-24. Review status: criteria provided, single submitter. Criteria: ACMG Guidelines, 2015. Collection method: clinical testing. Allele origin: germline. Observed: 2 variant alleles.
Comment: BS1, BS2, BS4, BP2

Mendelics
Classification: Benign for Severe myoclonic epilepsy in infancy. Last evaluated: 2023-08-22. Review status: criteria provided, single submitter. Criteria: Mendelics Assertion Criteria 2019. Collection method: clinical testing. Allele origin: germline.

Women's Health and Genetics/Laboratory Corporation of America, LabCorp
Classification: Likely benign. Last evaluated: 2022-10-31. Review status: criteria provided, single submitter. Criteria: LabCorp Variant Classification Summary - May 2015. Collection method: clinical testing. Allele origin: germline.

Genetic Services Laboratory, University of Chicago
Classification: Likely benign. Last evaluated: 2019-07-03. Review status: criteria provided, single submitter. Criteria: ACMG Guidelines, 2015. Collection method: clinical testing. Allele origin: germline. Affected: no.

GeneDx
Classification: Benign. Last evaluated: 2019-06-03. Review status: criteria provided, single submitter. Criteria: GeneDx Variant Classification Process June 2021. Collection method: clinical testing. Allele origin: germline. Affected: yes.
Comment: This variant is associated with the following publications: (PMID: 20729507, 18930999, 19522081, 28717674, 27881154, 26990884, 31765958, 32090326)

Ambry Genetics
Classification: Likely benign for Inborn genetic diseases. Last evaluated: 2018-08-14. Review status: criteria provided, single submitter. Criteria: Ambry Variant Classification Scheme 2023. Collection method: clinical testing. Allele origin: germline.

Illumina Laboratory Services, Illumina
Classification: Uncertain significance for Migraine, familial hemiplegic, 3. Last evaluated: 2017-04-27. Review status: criteria provided, single submitter. Criteria: ICSL Variant Classification Criteria 13 December 2019. Collection method: clinical testing. Allele origin: germline.

Illumina Laboratory Services, Illumina
Classification: Uncertain significance for Generalized epilepsy with febrile seizures plus, type 2. Last evaluated: 2017-04-27. Review status: criteria provided, single submitter. Criteria: ICSL Variant Classification Criteria 13 December 2019. Collection method: clinical testing. Allele origin: germline.

Eurofins Ntd Llc (ga)
Classification: Uncertain significance. Last evaluated: 2014-04-03. Review status: criteria provided, single submitter. Criteria: EGL Classification Definitions 2015. Collection method: clinical testing. Allele origin: germline. Observed: 2 variant alleles, 2 heterozygotes.

PreventionGenetics, part of Exact Sciences
Classification: Likely benign for SCN1A-related condition. Last evaluated: 2019-12-19. Review status: no assertion criteria provided. Collection method: clinical testing. Allele origin: germline. Not counted in ClinVar's aggregate classification.
Comment: This variant is classified as likely benign based on ACMG/AMP sequence variant interpretation guidelines (Richards et al. 2015 PMID: 25741868, with internal and published modifications).

Channelopathy-Associated Epilepsy Research Center
No classification provided (evidence only). Review status: no classification provided. Collection method: in vitro. Allele origin: not applicable. Functional consequence: Normal peak current. Not counted in ClinVar's aggregate classification.

Channelopathy-Associated Epilepsy Research Center
No classification provided (evidence only). Review status: no classification provided. Collection method: in vitro. Allele origin: not applicable. Functional consequence: Normal voltage dependence of activation. Not counted in ClinVar's aggregate classification.

Channelopathy-Associated Epilepsy Research Center
No classification provided (evidence only). Review status: no classification provided. Collection method: in vitro. Allele origin: not applicable. Functional consequence: Normal slope of activation. Not counted in ClinVar's aggregate classification.

Channelopathy-Associated Epilepsy Research Center
No classification provided (evidence only). Review status: no classification provided. Collection method: in vitro. Allele origin: not applicable. Functional consequence: Normal voltage dependence of fast inactivation. Not counted in ClinVar's aggregate classification.

Channelopathy-Associated Epilepsy Research Center
No classification provided (evidence only). Review status: no classification provided. Collection method: in vitro. Allele origin: not applicable. Functional consequence: Normal slope of fast inactivation. Not counted in ClinVar's aggregate classification.

Channelopathy-Associated Epilepsy Research Center
No classification provided (evidence only). Review status: no classification provided. Collection method: in vitro. Allele origin: not applicable. Functional consequence: Normal rate of recovery from fast inactivation. Not counted in ClinVar's aggregate classification.

Channelopathy-Associated Epilepsy Research Center
No classification provided (evidence only). Review status: no classification provided. Collection method: in vitro. Allele origin: not applicable. Functional consequence: Normal current amplitude in use dependence. Not counted in ClinVar's aggregate classification.

Channelopathy-Associated Epilepsy Research Center
No classification provided (evidence only). Review status: no classification provided. Collection method: in vitro. Allele origin: not applicable. Functional consequence: Normal fast inactivation. Not counted in ClinVar's aggregate classification.

Channelopathy-Associated Epilepsy Research Center
No classification provided (evidence only). Review status: no classification provided. Collection method: in vitro. Allele origin: not applicable. Functional consequence: Normal ramp current. Not counted in ClinVar's aggregate classification.

Channelopathy-Associated Epilepsy Research Center
No classification provided (evidence only). Review status: no classification provided. Collection method: in vitro. Allele origin: not applicable. Functional consequence: Normal persistent current. Not counted in ClinVar's aggregate classification.

Clinical Genetics DNA and cytogenetics Diagnostics Lab, Erasmus MC, Erasmus Medical Center
Classification: Likely benign. Review status: no assertion criteria provided. Collection method: clinical testing. Allele origin: germline. Affected: yes. Study: VKGL Data-share Consensus. Not counted in ClinVar's aggregate classification.

Diagnostic Laboratory, Department of Genetics, University Medical Center Groningen
Classification: Likely benign. Review status: no assertion criteria provided. Collection method: clinical testing. Allele origin: germline. Affected: yes. Study: VKGL Data-share Consensus. Not counted in ClinVar's aggregate classification.

Genome Diagnostics Laboratory, University Medical Center Utrecht
Classification: Likely benign. Review status: no assertion criteria provided. Collection method: clinical testing. Allele origin: germline. Affected: yes. Study: VKGL Data-share Consensus. Not counted in ClinVar's aggregate classification.

UniProtKB/Swiss-Prot
No classification provided. Condition: Severe myoclonic epilepsy in infancy. Review status: no classification provided. Collection method: not provided. Allele origin: unknown. Not counted in ClinVar's aggregate classification.

Literature cited by the submitters: PubMed 18930999 (cited by Mayo Clinic Laboratories, Mayo Clinic and Ambry Genetics); PubMed 19303743 (cited by Mayo Clinic Laboratories, Mayo Clinic); PubMed 19522081 (cited by Mayo Clinic Laboratories, Mayo Clinic and Ambry Genetics); PubMed 20729507 (cited by Mayo Clinic Laboratories, Mayo Clinic and Ambry Genetics); PubMed 21248271 (cited by Mayo Clinic Laboratories, Mayo Clinic); PubMed 26990884 (cited by Mayo Clinic Laboratories, Mayo Clinic and Ambry Genetics); PubMed 27881154 (cited by Mayo Clinic Laboratories, Mayo Clinic); PubMed 28150151 (cited by Mayo Clinic Laboratories, Mayo Clinic); PubMed 29601086 (cited by Mayo Clinic Laboratories, Mayo Clinic); PubMed 31765958 (cited by Mayo Clinic Laboratories, Mayo Clinic); PubMed 32449611 (cited by Mayo Clinic Laboratories, Mayo Clinic); PubMed 34722422 (cited by Mayo Clinic Laboratories, Mayo Clinic).